The following is an entry in ClinVar:

ClinVar aggregate classification (germline): Likely benign (1 of 4 stars; one submission).

Allele frequency attached by ClinVar (database versions not stated): gnomAD 0.00258; ExAC 0.00274; ESP Exome Variant Server 0.00405.

Submission:

CeGaT Center for Human Genetics Tuebingen
Classification: Likely benign. Last evaluated: 2025-06-01. Review status: criteria provided, single submitter. Criteria: CeGaT Center For Human Genetics Tuebingen Variant Classification Criteria Version 2. Collection method: clinical testing. Allele origin: germline. Affected: yes. Observed: 2 variant alleles.
Comment: VCX: BP4, BS2

NM_001393662.1(VCX):c.7C>T (p.Pro3Ser)

Gene: VCX (variable charge X-linked; plus strand). Cytogenetic location: Xp22.31.
Variant type: single nucleotide variant.
Coding change: c.7C>T on transcript NM_001393662.1 (MANE Select); coding-DNA position 7, C replaced by T.
Protein change: p.Pro3Ser; replaces proline 3 with serine.
Molecular consequence: missense variant.
Genome position (GRCh38, 1-based): chrX:7,843,210, C>T. VCF-style: chrX-7843210-C-T. GRCh37 (hg19) VCF-style: chrX-7811251-C-T.
Other names: c.7C>T, p.Pro3Ser (NM_013452.3); short protein forms P3S.
Identifiers: ClinVar variation 3025302 (VCV003025302.22), dbSNP rs146106202, ClinGen allele CA10342268.
Genomic context (GRCh38, chrX:7,843,210, plus strand): 5'-GAGGCCAGGCAGCCTGGAGTTAGCCGACCGTTGCGAGACGTTGAGCTGCGGAAGATGAGT[C>T]CAAAGCCGAGAGCCTCGGGACCTCCGGCCAAGGCCACGGAGGCAGGAAAGAGGAAGTCCT-3'
Protein context (NP_001380591.1, residues 1-13): MS[Pro3Ser]KPRASGPPAK